The following is an entry in ClinVar:

NM_004525.3(LRP2):c.13602del (p.Val4535fs)

Gene: LRP2 (LDL receptor related protein 2; minus strand). Cytogenetic location: 2q31.1.
Variant type: Deletion.
Coding change: c.13602del on transcript NM_004525.3 (MANE Select); coding-DNA position 13602, one base deleted (A; older notation c.13602delA).
Protein change: p.Val4535fs; shifts the reading frame from valine 4535.
Molecular consequence: frameshift variant.
Genome position (GRCh38, 1-based): chr2:169,137,410, T deleted on the plus strand (A on the coding strand, the reverse complement: LRP2 is on the minus strand); the first of 3 consecutive T bases (chr2:169,137,410-169,137,412); deleting any one gives the same sequence. VCF-style (leftmost placement, unchanged base first): chr2-169137409-CT-C. GRCh37 (hg19) VCF-style: chr2-169993919-CT-C.
Other names: short protein forms V4535fs.
Identifiers: ClinVar variation 2806567 (VCV002806567.3), dbSNP rs760623978, ClinGen allele CA1952483.

ClinVar aggregate classification (germline): Pathogenic (1 of 4 stars; one submission).

Submission:

Labcorp Genetics (formerly Invitae), Labcorp
Classification: Pathogenic. Last evaluated: 2023-11-19. Review status: criteria provided, single submitter. Criteria: Invitae Variant Classification Sherloc (09022015). Collection method: clinical testing. Allele origin: germline.
Comment: This sequence change creates a premature translational stop signal (p.Val4535Trpfs*7) in the LRP2 gene. It is expected to result in an absent or disrupted protein product. Loss-of-function variants in LRP2 are known to be pathogenic (PMID: 17632512, 25682901). This variant is present in population databases (rs760623978, gnomAD 0.006%). This variant has not been reported in the literature in individuals affected with LRP2-related conditions. For these reasons, this variant has been classified as Pathogenic.

Literature cited by the submitters: PubMed 17632512; PubMed 25682901.